The following is an entry in ClinVar:

ClinVar aggregate classification (germline): Pathogenic/Likely pathogenic. Review status: criteria provided, multiple submitters, no conflicts (2 of 4 stars). 7 submissions from 7 submitters: Pathogenic (5); Likely pathogenic (1). 1 of the submissions does not count toward it. Last evaluated 2025-08-06.

Conditions:
Ehlers-Danlos syndrome, classic type, 1 (EDSCL1). Also called: EHLERS-DANLOS SYNDROME, GRAVIS TYPE; EHLERS-DANLOS SYNDROME, SEVERE CLASSIC TYPE; Ehlers-Danlos syndrome, type 1; Ehlers-Danlos Syndrome, Classic Type, COL5A1-Related; EDS I. Identifiers: MedGen C0268335, MONDO:0019567, OMIM 130000.
Osteogenesis imperfecta type I (OI1). Also called: Lobstein disease; Lobstein's Disease; Classic Non-deforming Osteogenesis Imperfecta with Blue Sclerae; OI, TYPE I; OSTEOGENESIS IMPERFECTA TARDA; OSTEOGENESIS IMPERFECTA WITH BLUE SCLERAE. Identifiers: Orphanet 216796, Orphanet 666, MedGen C0023931, MONDO:0008146, OMIM 166200. Disease mechanism: loss of function.
Combined osteogenesis imperfecta and Ehlers-Danlos syndrome 2. Also called: OIEDS SYNDROME 2. Identifiers: MedGen C5436847, MONDO:0030855, OMIM 619120.
COL1A2-related disorder. Also called: COL1A2-related condition; COL1A2-Related Disorders.
Ehlers-Danlos syndrome, arthrochalasia type, 2. Also called: EHLERS-DANLOS SYNDROME, TYPE VIIB, AUTOSOMAL DOMINANT. Identifiers: MedGen CN293783, MONDO:0040501, OMIM 617821.

Submissions (7):

Labcorp Genetics (formerly Invitae), Labcorp
Classification: Pathogenic for Osteogenesis imperfecta type I; Ehlers-Danlos syndrome, classic type, 1. Last evaluated: 2025-08-06. Review status: criteria provided, single submitter. Criteria: Invitae Variant Classification Sherloc (09022015). Collection method: clinical testing. Allele origin: germline.
Comment: This sequence change falls in intron 9 of the COL1A2 gene. It does not directly change the encoded amino acid sequence of the COL1A2 protein. It affects a nucleotide within the consensus splice site. This variant is not present in population databases (gnomAD no frequency). This variant has been observed in individual(s) with clinical features of autosomal dominant Ehlers-Danlos syndrome and/or osteogenesis imperfecta (PMID: 17078022, 23692737, 31141158, 31794058; internal data). This variant is also known as IVS9+4^7delAGTA. ClinVar contains an entry for this variant (Variation ID: 503685). Variants that disrupt the consensus splice site are a relatively common cause of aberrant splicing (PMID: 17576681, 9536098). Algorithms developed to predict the effect of sequence changes on RNA splicing suggest that this variant may disrupt the consensus splice site. For these reasons, this variant has been classified as Pathogenic.

Revvity Omics, Revvity
Classification: Pathogenic. Last evaluated: 2023-12-06. Review status: criteria provided, single submitter. Criteria: ACMG Guidelines, 2015. Collection method: clinical testing. Allele origin: germline.

GeneDx
Classification: Pathogenic. Last evaluated: 2021-12-21. Review status: criteria provided, single submitter. Criteria: GeneDx Variant Classification Process June 2021. Collection method: clinical testing. Allele origin: germline. Affected: yes.
Comment: Non-canonical splice site variant demonstrated to result in loss-of-function (Marini et al., 2007); Not observed at significant frequency in large population cohorts (gnomAD); This variant is associated with the following publications: (PMID: 17078022, 23692737, 31794058, 31141158)

Blueprint Genetics
Classification: Pathogenic for COL1A2-related disorders. Last evaluated: 2020-06-08. Review status: criteria provided, single submitter. Criteria: ACMG Guidelines, 2015. Collection method: clinical testing. Allele origin: germline. Affected: yes. Observed: 2 variant alleles.

Institute of Human Genetics, University Hospital of Duesseldorf
Classification: Likely pathogenic for Ehlers-Danlos syndrome, arthrochalasia type, 2. Review status: criteria provided, single submitter. Criteria: ACMG Guidelines, 2015. Collection method: not provided. Allele origin: germline. Inheritance: Autosomal dominant inheritance. Affected: yes.

Neuberg Centre For Genomic Medicine, NCGM
Classification: Pathogenic for Combined osteogenesis imperfecta and Ehlers-Danlos syndrome 2. Review status: criteria provided, single submitter. Criteria: ACMG Guidelines, 2015. Collection method: clinical testing. Allele origin: germline. Inheritance: Autosomal dominant inheritance. Affected: yes.
Comment: The splice site donor c.432+4_432+7del variant in the COL1A2 gene has been reported previously in patients affected with Osteogenesis Imperfecta/Ehlers-Danlos syndrome Morlino et al., 2020; Angwin et al., 2020. The variant is novel not in any individuals in 1000 Genomes and gnomAD. This sequence change falls in intron 9 of the COL1A2 gene. It is submitted to ClinVar with varying interpretations as Pathogenic/Likely Pathogenic. However functional evidence on the pathogenicity of the variant is unavailable. For these reasons, this variant has been classified as Likely Pathogenic.

Biochemical Molecular Genetic Laboratory, King Abdulaziz Medical City
Classification: Pathogenic for COL1A2-related disorder. Last evaluated: 2019-08-25. Review status: no assertion criteria provided. Collection method: clinical testing. Allele origin: germline. Affected: yes. Not counted in ClinVar's aggregate classification.

Literature cited by the submitters: PubMed 17078022 (cited by Labcorp Genetics (formerly Invitae), Labcorp); PubMed 23692737 (cited by Labcorp Genetics (formerly Invitae), Labcorp); PubMed 31141158 (cited by Labcorp Genetics (formerly Invitae), Labcorp); PubMed 31794058 (cited by Labcorp Genetics (formerly Invitae), Labcorp); PubMed 17576681 (cited by Labcorp Genetics (formerly Invitae), Labcorp); PubMed 9536098 (cited by Labcorp Genetics (formerly Invitae), Labcorp).

NM_000089.4(COL1A2):c.432+4_432+7del

Gene: COL1A2 (collagen type I alpha 2 chain; plus strand). Cytogenetic location: 7q21.3.
Variant type: Deletion.
Coding change: c.432+4_432+7del on transcript NM_000089.4 (MANE Select); bases 4 to 7 of the intron after coding-DNA position 432, 4 bases deleted (AGTA; older notation c.432+4_432+7delAGTA).
Molecular consequence: splice donor variant.
Genome position (GRCh38, 1-based): chr7:94,404,896-94,404,899, AGTA deleted; deleting any 4 consecutive bases within chr7:94,404,893-94,404,899 gives the same sequence; the c. name uses the placement nearest the transcript's 3' end. VCF-style (leftmost placement, unchanged base first): chr7-94404892-TGTAA-T. GRCh37 (hg19) VCF-style: chr7-94034204-TGTAA-T.
Other names: c.432+4_432+7delAGTA (NM_000089.3).
Identifiers: ClinVar variation 503685 (VCV000503685.16), dbSNP rs72656363, ClinGen allele CA162914491.
Genomic context (GRCh38, chr7:94,404,892, plus strand): 5'-TTCTTAGGGTCCTGCAGGTGCTCGTGGTCCAGCTGGCCCTCCTGGCAAGGCTGGTGAAGA[TGTAA>T]GTATTTACTCTTAAGCACTTTCAAAATGCTATTTAAATACTCTTGCCTCAACAAGATTTT-3'